The following is an entry in ClinVar:

NM_001287.6(CLCN7):c.2119A>T (p.Arg707Trp)

Gene: CLCN7 (chloride voltage-gated channel 7; minus strand). Cytogenetic location: 16p13.3.
Variant type: single nucleotide variant.
Coding change: c.2119A>T on transcript NM_001287.6 (MANE Select); coding-DNA position 2119, A replaced by T.
Protein change: p.Arg707Trp; replaces arginine 707 with tryptophan.
Molecular consequence: missense variant.
Genome position (GRCh38, 1-based): chr16:1,447,523, T>A on the plus strand (A>T on the coding strand, the complement: CLCN7 is on the minus strand). VCF-style: chr16-1447523-T-A. GRCh37 (hg19) VCF-style: chr16-1497524-T-A.
Other names: c.2047A>T, p.Arg683Trp (NM_001114331.3); short protein forms R683W, R707W.
Identifiers: ClinVar variation 2818932 (VCV002818932.3), dbSNP rs2038669419, ClinGen allele CA394185738.

ClinVar aggregate classification (germline): Uncertain significance (1 of 4 stars; one submission).

Submission:

Labcorp Genetics (formerly Invitae), Labcorp
Classification: Uncertain significance. Last evaluated: 2023-08-10. Review status: criteria provided, single submitter. Criteria: Invitae Variant Classification Sherloc (09022015). Collection method: clinical testing. Allele origin: germline.
Comment: This variant is not present in population databases (gnomAD no frequency). This sequence change replaces arginine, which is basic and polar, with tryptophan, which is neutral and slightly polar, at codon 707 of the CLCN7 protein (p.Arg707Trp). This variant has not been reported in the literature in individuals affected with CLCN7-related conditions. In summary, the available evidence is currently insufficient to determine the role of this variant in disease. Therefore, it has been classified as a Variant of Uncertain Significance. An algorithm developed to predict the effect of missense changes on protein structure and function (PolyPhen-2) suggests that this variant is likely to be tolerated.